The following is an entry in ClinVar:

ClinVar aggregate classification (germline): Uncertain significance (1 of 4 stars; one submission).

gnomAD v4.1: 6 of 1,614,082 alleles (0.00037%); highest among the groups gnomAD compares: Non-Finnish European, 0.00051%; no homozygotes.

Submission:

Ambry Genetics
Classification: Uncertain significance. Last evaluated: 2025-02-03. Review status: criteria provided, single submitter. Criteria: Ambry Variant Classification Scheme 2023. Collection method: clinical testing. Allele origin: germline.
Comment: The p.K558N variant (also known as c.1674A>C), located in coding exon 9 of the PALLD gene, results from an A to C substitution at nucleotide position 1674. The lysine at codon 558 is replaced by asparagine, an amino acid with similar properties. This amino acid position is conserved. In addition, the in silico prediction for this alteration is inconclusive. Based on the available evidence, the clinical significance of this variant remains unclear.

NM_001166108.2(PALLD):c.3186A>C (p.Lys1062Asn)

Genes: CBR4 (carbonyl reductase 4; minus strand), PALLD (palladin, cytoskeletal associated protein; plus strand). Cytogenetic location: 4q32.3.
Variant type: single nucleotide variant.
Coding change: c.3186A>C on transcript NM_001166108.2 (MANE Select); coding-DNA position 3186, A replaced by C.
Protein change: p.Lys1062Asn; replaces lysine 1062 with asparagine.
Molecular consequence: missense variant.
Genome position (GRCh38, 1-based): chr4:168,924,382, A>C. VCF-style: chr4-168924382-A-C. GRCh37 (hg19) VCF-style: chr4-169845533-A-C.
Other names: c.1989A>C, p.Lys663Asn (NM_001166109.2); c.1674A>C, p.Lys558Asn (NM_001166110.2); c.1014A>C, p.Lys338Asn (NM_001367567.1, NM_001367569.1); c.1065A>C, p.Lys355Asn (NM_001367568.1, NM_001367570.1); c.3135A>C, p.Lys1045Asn (NM_016081.4); short protein forms K1062N, K338N, K558N, K1045N, K663N, K355N.
Identifiers: ClinVar variation 3885255 (VCV003885255.1).